The following is an entry in ClinVar:

ClinVar aggregate classification (germline): Uncertain significance. Review status: criteria provided, multiple submitters, no conflicts (2 of 4 stars). 2 submissions from 2 submitters: Uncertain significance (2). Last evaluated 2025-02-02.

Allele frequency attached by ClinVar (database versions not stated): ExAC 0.00002; gnomAD 0.00004; TOPMed 0.00004.
gnomAD v4.1: 151 of 1,613,526 alleles (0.0094%); highest among the groups gnomAD compares: Non-Finnish European, 0.013%; no homozygotes.

Submissions (2):

Ambry Genetics
Classification: Uncertain significance. Last evaluated: 2025-02-02. Review status: criteria provided, single submitter. Criteria: Ambry Variant Classification Scheme 2023. Collection method: clinical testing. Allele origin: germline.

Labcorp Genetics (formerly Invitae), Labcorp
Classification: Uncertain significance. Last evaluated: 2023-07-30. Review status: criteria provided, single submitter. Criteria: Invitae Variant Classification Sherloc (09022015). Collection method: clinical testing. Allele origin: germline.
Comment: In summary, the available evidence is currently insufficient to determine the role of this variant in disease. Therefore, it has been classified as a Variant of Uncertain Significance. This sequence change replaces histidine, which is basic and polar, with tyrosine, which is neutral and polar, at codon 343 of the LIPN protein (p.His343Tyr). This variant is present in population databases (rs753601488, gnomAD 0.003%). This variant has not been reported in the literature in individuals affected with LIPN-related conditions. An algorithm developed to predict the effect of missense changes on protein structure and function (PolyPhen-2) suggests that this variant is likely to be tolerated.

NM_001102469.2(LIPN):c.1027C>T (p.His343Tyr)

Gene: LIPN (lipase family member N; plus strand). Cytogenetic location: 10q23.31.
Variant type: single nucleotide variant.
Coding change: c.1027C>T on transcript NM_001102469.2 (MANE Select); coding-DNA position 1027, C replaced by T.
Protein change: p.His343Tyr; replaces histidine 343 with tyrosine.
Molecular consequence: missense variant.
Genome position (GRCh38, 1-based): chr10:88,778,072, C>T. VCF-style: chr10-88778072-C-T. GRCh37 (hg19) VCF-style: chr10-90537829-C-T.
Other names: c.1027C>T (NM_001102469.1); short protein forms H343Y.
Identifiers: ClinVar variation 2886593 (VCV002886593.4), dbSNP rs753601488, ClinGen allele CA5592034.